The following is an entry in ClinVar:

NM_004415.4(DSP):c.811C>T (p.Gln271Ter)

Gene: DSP (desmoplakin; plus strand). Cytogenetic location: 6p24.3.
Variant type: single nucleotide variant.
Coding change: c.811C>T on transcript NM_004415.4 (MANE Select); coding-DNA position 811, C replaced by T.
Protein change: p.Gln271Ter; replaces glutamine 271 with a stop codon.
Molecular consequence: nonsense.
Genome position (GRCh38, 1-based): chr6:7,565,392, C>T. VCF-style: chr6-7565392-C-T. GRCh37 (hg19) VCF-style: chr6-7565625-C-T.
Other names: c.811C>T, p.Gln271Ter (NM_001008844.3, NM_001319034.2); short protein forms Q271*.
Identifiers: ClinVar variation 1691628 (VCV001691628.4), dbSNP rs2113669223, ClinGen allele CA362674088.

ClinVar aggregate classification (germline): Pathogenic. Review status: criteria provided, multiple submitters, no conflicts (2 of 4 stars). 2 submissions from 2 submitters: Pathogenic (2). Last evaluated 2025-06-06.

Conditions:
Cardiovascular phenotype. Identifiers: MedGen CN230736.

Submissions (2):

Ambry Genetics
Classification: Pathogenic for Cardiovascular phenotype. Last evaluated: 2025-06-06. Review status: criteria provided, single submitter. Criteria: Ambry Variant Classification Scheme 2023. Collection method: clinical testing. Allele origin: germline.
Comment: The p.Q271* pathogenic mutation (also known as c.811C>T), located in coding exon 7 of the DSP gene, results from a C to T substitution at nucleotide position 811. This changes the amino acid from a glutamine to a stop codon within coding exon 7. Alterations in DSP that result in haploinsufficiency or protein truncation have been reported in patients with arrhythmogenic right ventricular cardiomyopathy (ARVC) and dilated cardiomyopathy (DCM) (Fressart V et al. Europace. 2010;12(6):861-8; Elliott P et al. Circ Cardiovasc Genet. 2010;3(4):314-22; Quarta G et al. Circulation. 2011;123(23):2701-9; Garcia-Pavia P et al. Heart. 2011;97(21):1744-52; Rasmussen TB et al. Clin Genet. 2013;84(1):20-30; Pugh TJ et al. Genet Med. 2014;16(8):601-8). This variant is considered to be rare based on population cohorts in the Genome Aggregation Database (gnomAD). This alteration is expected to result in loss of function by premature protein truncation or nonsense-mediated mRNA decay. As such, this alteration is interpreted as a disease-causing mutation.

GeneDx
Classification: Pathogenic. Last evaluated: 2022-06-08. Review status: criteria provided, single submitter. Criteria: GeneDx Variant Classification Process June 2021. Collection method: clinical testing. Allele origin: germline. Affected: yes.
Comment: Nonsense variant predicted to result in protein truncation or nonsense mediated decay in a gene for which loss of function is a known mechanism of disease; Not observed at significant frequency in large population cohorts (gnomAD); Has not been previously published as pathogenic or benign to our knowledge